The following is an entry in ClinVar:

NM_015346.4(ZFYVE26):c.7037G>A (p.Arg2346Gln)

Gene: ZFYVE26 (zinc finger FYVE-type containing 26; minus strand). Cytogenetic location: 14q24.1.
Variant type: single nucleotide variant.
Coding change: c.7037G>A on transcript NM_015346.4 (MANE Select); coding-DNA position 7037, G replaced by A.
Protein change: p.Arg2346Gln; replaces arginine 2346 with glutamine.
Molecular consequence: missense variant.
Genome position (GRCh38, 1-based): chr14:67,754,162, C>T on the plus strand (G>A on the coding strand, the complement: ZFYVE26 is on the minus strand). VCF-style: chr14-67754162-C-T. GRCh37 (hg19) VCF-style: chr14-68220879-C-T.
Other names: short protein forms R2346Q.
Identifiers: ClinVar variation 964719 (VCV000964719.5), dbSNP rs759075168, ClinGen allele CA7239080.

ClinVar aggregate classification (germline): Uncertain significance. Review status: criteria provided, multiple submitters, no conflicts (2 of 4 stars). 2 submissions from 2 submitters: Uncertain significance (2). Last evaluated 2025-08-03.

Conditions:
Inborn genetic diseases. Identifiers: MedGen C0950123, MeSH D030342.
Spastic paraplegia. Identifiers: MedGen C0037772, HP:0001258.

Allele frequency attached by ClinVar (database versions not stated): TOPMed 0.00003; gnomAD 0.00001; ExAC 0.00002; gnomAD exomes 0.00002.
gnomAD v4.1: 24 of 1,614,102 alleles (0.0015%); highest among the groups gnomAD compares: South Asian, 0.0088%; no homozygotes.

Submissions (2):

Ambry Genetics
Classification: Uncertain significance for Inborn genetic diseases. Last evaluated: 2025-08-03. Review status: criteria provided, single submitter. Criteria: Ambry Variant Classification Scheme 2023. Collection method: clinical testing. Allele origin: germline.

Labcorp Genetics (formerly Invitae), Labcorp
Classification: Uncertain significance for Spastic paraplegia. Last evaluated: 2022-06-04. Review status: criteria provided, single submitter. Criteria: Invitae Variant Classification Sherloc (09022015). Collection method: clinical testing. Allele origin: germline.
Comment: This sequence change replaces arginine, which is basic and polar, with glutamine, which is neutral and polar, at codon 2346 of the ZFYVE26 protein (p.Arg2346Gln). This variant is present in population databases (rs759075168, gnomAD 0.006%). This variant has not been reported in the literature in individuals affected with ZFYVE26-related conditions. ClinVar contains an entry for this variant (Variation ID: 964719). Algorithms developed to predict the effect of missense changes on protein structure and function are either unavailable or do not agree on the potential impact of this missense change (SIFT: "Deleterious"; PolyPhen-2: "Possibly Damaging"; Align-GVGD: "Class C0"). Algorithms developed to predict the effect of sequence changes on RNA splicing suggest that this variant may create or strengthen a splice site. In summary, the available evidence is currently insufficient to determine the role of this variant in disease. Therefore, it has been classified as a Variant of Uncertain Significance.